The following is an entry in ClinVar:

NM_001376.5(DYNC1H1):c.7227T>C (p.Ala2409=)

Gene: DYNC1H1 (dynein cytoplasmic 1 heavy chain 1; plus strand). Cytogenetic location: 14q32.31.
Variant type: single nucleotide variant.
Coding change: c.7227T>C on transcript NM_001376.5 (MANE Select); coding-DNA position 7227, T replaced by C.
Protein change: p.Ala2409=; no amino-acid change (alanine 2409 retained).
Molecular consequence: synonymous variant.
Genome position (GRCh38, 1-based): chr14:102,015,317, T>C. VCF-style: chr14-102015317-T-C. GRCh37 (hg19) VCF-style: chr14-102481654-T-C.
Identifiers: ClinVar variation 3045966 (VCV003045966.2), dbSNP rs2503765890, ClinGen allele CA487972617.

ClinVar aggregate classification (germline): Likely benign (0 of 4 stars; one submission).

Conditions:
DYNC1H1-related disorder. Also called: DYNC1H1-related disorders; DYNC1H1-related condition. Identifiers: MedGen CN381529.

Submission:

PreventionGenetics, part of Exact Sciences
Classification: Likely benign for DYNC1H1-related condition. Last evaluated: 2019-10-03. Review status: no assertion criteria provided. Collection method: clinical testing. Allele origin: germline.
Comment: This variant is classified as likely benign based on ACMG/AMP sequence variant interpretation guidelines (Richards et al. 2015 PMID: 25741868, with internal and published modifications).